The following is an entry in ClinVar:

ClinVar aggregate classification (germline): Likely pathogenic (1 of 4 stars; one submission).

Conditions:
Neurofibromatosis, type 1 (NF1). Also called: VON RECKLINGHAUSEN DISEASE; Neurofibromatosis, type I; NEUROFIBROMATOSIS, TYPE I, SOMATIC; Peripheral type neurofibromatosis. Identifiers: Orphanet 636, MedGen C0027831, MONDO:0018975, OMIM 162200. Disease mechanism: loss of function.

Allele frequency attached by ClinVar (database versions not stated): gnomAD exomes below 0.00001.
gnomAD v4.1: 1 of 1,614,116 alleles (0.000062%); highest among the groups gnomAD compares: South Asian, 0.0011%; no homozygotes.

Submission:

Labcorp Genetics (formerly Invitae), Labcorp
Classification: Likely pathogenic for Neurofibromatosis, type 1. Last evaluated: 2022-03-17. Review status: criteria provided, single submitter. Criteria: Invitae Variant Classification Sherloc (09022015). Collection method: clinical testing. Allele origin: germline.
Comment: This sequence change replaces lysine, which is basic and polar, with glutamic acid, which is acidic and polar, at codon 263 of the NF1 protein (p.Lys263Glu). This variant is not present in population databases (gnomAD no frequency). This missense change has been observed in individuals with clinical features of neurofibromatosis, type 1 (PMID: 23913538, 26635368; Invitae). ClinVar contains an entry for this variant (Variation ID: 652545). Advanced modeling of protein sequence and biophysical properties (such as structural, functional, and spatial information, amino acid conservation, physicochemical variation, residue mobility, and thermodynamic stability) performed at Invitae indicates that this missense variant is expected to disrupt NF1 protein function. In summary, the currently available evidence indicates that the variant is pathogenic, but additional data are needed to prove that conclusively. Therefore, this variant has been classified as Likely Pathogenic.

Literature cited by the submitters: PubMed 23913538; PubMed 26635368.

NM_001042492.3(NF1):c.787A>G (p.Lys263Glu)

Gene: NF1 (neurofibromin 1; plus strand). Cytogenetic location: 17q11.2.
Variant type: single nucleotide variant.
Coding change: c.787A>G on transcript NM_001042492.3 (MANE Select); coding-DNA position 787, A replaced by G.
Protein change: p.Lys263Glu; replaces lysine 263 with glutamic acid.
Molecular consequence: missense variant.
Genome position (GRCh38, 1-based): chr17:31,182,564, A>G. VCF-style: chr17-31182564-A-G. GRCh37 (hg19) VCF-style: chr17-29509582-A-G.
Other names: c.787A>G, p.Lys263Glu (NM_000267.4, NM_001128147.3); short protein forms K263E.
Identifiers: ClinVar variation 652545 (VCV000652545.5), dbSNP rs1597659883, ClinGen allele CA398990842.